The following is an entry in ClinVar:

NM_152564.5(VPS13B):c.8842A>G (p.Ile2948Val)

Gene: VPS13B (vacuolar protein sorting 13 homolog B; plus strand). Cytogenetic location: 8q22.2.
Variant type: single nucleotide variant.
Coding change: c.8842A>G on transcript NM_152564.5 (MANE Select); coding-DNA position 8842, A replaced by G.
Protein change: p.Ile2948Val; replaces isoleucine 2948 with valine.
Molecular consequence: missense variant.
Genome position (GRCh38, 1-based): chr8:99,819,970, A>G. VCF-style: chr8-99819970-A-G. GRCh37 (hg19) VCF-style: chr8-100832198-A-G.
Other names: c.8917A>G, p.Ile2973Val (NM_017890.5); c.8842A>G (NM_152564.4); short protein forms I2948V, I2973V.
Identifiers: ClinVar variation 588684 (VCV000588684.15), dbSNP rs145265055, ClinGen allele CA4824578.

ClinVar aggregate classification (germline): Conflicting classifications of pathogenicity. Review status: criteria provided, conflicting classifications (1 of 4 stars). 5 submissions from 5 submitters: Uncertain significance (3); Likely benign (1). 1 of the submissions does not count toward it. Last evaluated 2024-12-02.

Conditions:
Cohen syndrome (COH1). Also called: Cutis verticis gyrata, retinitis pigmentosa, and sensorineural deafness; PEPPER SYNDROME. Identifiers: Orphanet 193, MedGen C0265223, MONDO:0008999, OMIM 216550.
VPS13B-related disorder. Also called: VPS13B-related condition.
Inborn genetic diseases. Identifiers: MedGen C0950123, MeSH D030342.

Allele frequency attached by ClinVar (database versions not stated): gnomAD exomes 0.00003 and 0.00004; ExAC 0.00004; TOPMed 0.00005; gnomAD 0.00006 and 0.00007; ESP Exome Variant Server 0.00015.
gnomAD v4.1: 47 of 1,613,952 alleles (0.0029%); highest among the groups gnomAD compares: Middle Eastern, 0.016%; no homozygotes.

Submissions (5):

Labcorp Genetics (formerly Invitae), Labcorp
Classification: Uncertain significance for Cohen syndrome. Last evaluated: 2024-12-02. Review status: criteria provided, single submitter. Criteria: Invitae Variant Classification Sherloc (09022015). Collection method: clinical testing. Allele origin: germline.
Comment: This sequence change replaces isoleucine, which is neutral and non-polar, with valine, which is neutral and non-polar, at codon 2973 of the VPS13B protein (p.Ile2973Val). This variant is present in population databases (rs145265055, gnomAD 0.006%). This variant has not been reported in the literature in individuals affected with VPS13B-related conditions. ClinVar contains an entry for this variant (Variation ID: 588684). Invitae Evidence Modeling of protein sequence and biophysical properties (such as structural, functional, and spatial information, amino acid conservation, physicochemical variation, residue mobility, and thermodynamic stability) indicates that this missense variant is not expected to disrupt VPS13B protein function with a negative predictive value of 80%. In summary, the available evidence is currently insufficient to determine the role of this variant in disease. Therefore, it has been classified as a Variant of Uncertain Significance.

Blueprint Genetics
Classification: Uncertain significance. Last evaluated: 2024-11-21. Review status: criteria provided, single submitter. Criteria: ACMG Guidelines, 2015. Collection method: clinical testing. Allele origin: germline.

Ambry Genetics
Classification: Likely benign for Inborn genetic diseases. Last evaluated: 2024-01-22. Review status: criteria provided, single submitter. Criteria: Ambry Variant Classification Scheme 2023. Collection method: clinical testing. Allele origin: germline.

Illumina Laboratory Services, Illumina
Classification: Uncertain significance for Cohen syndrome. Last evaluated: 2018-01-12. Review status: criteria provided, single submitter. Criteria: ICSL Variant Classification Criteria 13 December 2019. Collection method: clinical testing. Allele origin: germline.

PreventionGenetics, part of Exact Sciences
Classification: Uncertain significance for VPS13B-related condition. Last evaluated: 2024-08-21. Review status: no assertion criteria provided. Collection method: clinical testing. Allele origin: germline. Not counted in ClinVar's aggregate classification.
Comment: The VPS13B c.8842A>G variant is predicted to result in the amino acid substitution p.Ile2948Val. To our knowledge, this variant has not been reported in the literature. This variant is reported in 0.0056% of alleles in individuals of Latino descent in gnomAD. At this time, the clinical significance of this variant is uncertain due to the absence of conclusive functional and genetic evidence.